The following is an entry in ClinVar:

NM_015450.3(POT1):c.1603A>G (p.Ile535Val)

Gene: POT1 (protection of telomeres 1; minus strand). Cytogenetic location: 7q31.33.
Variant type: single nucleotide variant.
Coding change: c.1603A>G on transcript NM_015450.3 (MANE Select); coding-DNA position 1603, A replaced by G.
Protein change: p.Ile535Val; replaces isoleucine 535 with valine.
Molecular consequence: missense variant. On other transcripts: non-coding transcript variant (3).
Genome position (GRCh38, 1-based): chr7:124,827,297, T>C on the plus strand (A>G on the coding strand, the complement: POT1 is on the minus strand). VCF-style: chr7-124827297-T-C. GRCh37 (hg19) VCF-style: chr7-124467351-T-C.
Other names: c.1210A>G, p.Ile404Val (NM_001042594.2); short protein forms I404V, I535V.
Identifiers: ClinVar variation 1776216 (VCV001776216.8), dbSNP rs750578336, ClinGen allele CA4465034.
Genomic context (GRCh38, chr7:124,827,297, plus strand): 5'-GTACTCCTGTTCCATCATCAAGTGTAAAGGTCATAACAAACACATATTGGAGGGGTACAA[T>C]ACCCAGTGCTAGTGAAGGAAAAAAAGATCAAACCATATGAGTCTGCTATTCCTTATTATC-3'
Protein context (NP_056265.2, residues 525-545): IPSSVAEALG[Ile535Val]VPLQYVFVMT

ClinVar aggregate classification (germline): Uncertain significance. Review status: criteria provided, multiple submitters, no conflicts (2 of 4 stars). 2 submissions from 2 submitters: Uncertain significance (2). Last evaluated 2025-11-03.

Conditions:
Hereditary cancer-predisposing syndrome. Also called: Tumor predisposition; Neoplastic Syndromes, Hereditary; Hereditary Cancer Syndrome; Hereditary neoplastic syndrome. Identifiers: Orphanet 140162, MedGen C0027672, MeSH D009386, MONDO:0015356.
Tumor predisposition syndrome 3 (TPDS3). Also called: Glioma susceptibility 9; LONG TELOMERE SYNDROME, POT1-RELATED; POT1 Tumor Predisposition; Melanoma, cutaneous malignant, susceptibility to, 10. Identifiers: Orphanet 618, MedGen C4014476, MONDO:0014368, OMIM 615848.

Allele frequency attached by ClinVar (database versions not stated): gnomAD exomes 0.00001; ExAC 0.00002.
gnomAD v4.1: 8 of 1,573,994 alleles (0.00051%); highest among the groups gnomAD compares: South Asian, 0.0093%; no homozygotes.

Submissions (2):

Labcorp Genetics (formerly Invitae), Labcorp
Classification: Uncertain significance for Tumor predisposition syndrome 3. Last evaluated: 2025-11-03. Review status: criteria provided, single submitter. Criteria: Invitae Variant Classification Sherloc (09022015). Collection method: clinical testing. Allele origin: germline.
Comment: This sequence change replaces isoleucine, which is neutral and non-polar, with valine, which is neutral and non-polar, at codon 535 of the POT1 protein (p.Ile535Val). This variant is present in population databases (rs750578336, gnomAD 0.007%). This variant has not been reported in the literature in individuals affected with POT1-related conditions. ClinVar contains an entry for this variant (Variation ID: 1776216). Invitae Evidence Modeling of protein sequence and biophysical properties (such as structural, functional, and spatial information, amino acid conservation, physicochemical variation, residue mobility, and thermodynamic stability) indicates that this missense variant is not expected to disrupt POT1 protein function with a negative predictive value of 80%. In summary, the available evidence is currently insufficient to determine the role of this variant in disease. Therefore, it has been classified as a Variant of Uncertain Significance.

Ambry Genetics
Classification: Uncertain significance for Hereditary cancer-predisposing syndrome. Last evaluated: 2024-08-24. Review status: criteria provided, single submitter. Criteria: Ambry Variant Classification Scheme 2023. Collection method: clinical testing. Allele origin: germline.
Comment: The p.I535V variant (also known as c.1603A>G), located in coding exon 13 of the POT1 gene, results from an A to G substitution at nucleotide position 1603. The isoleucine at codon 535 is replaced by valine, an amino acid with highly similar properties. This amino acid position is not well conserved in available vertebrate species. In addition, this alteration is predicted to be tolerated by in silico analysis. Since supporting evidence is limited at this time, the clinical significance of this alteration remains unclear.